The following is an entry in ClinVar:

NM_001005361.3(DNM2):c.2407T>G (p.Ser803Ala)

Gene: DNM2 (dynamin 2; plus strand). Cytogenetic location: 19p13.2.
Variant type: single nucleotide variant.
Coding change: c.2407T>G on transcript NM_001005361.3 (MANE Select); coding-DNA position 2407, T replaced by G.
Protein change: p.Ser803Ala; replaces serine 803 with alanine.
Molecular consequence: missense variant.
Genome position (GRCh38, 1-based): chr19:10,830,242, T>G. VCF-style: chr19-10830242-T-G. GRCh37 (hg19) VCF-style: chr19-10940918-T-G.
Other names: c.2407T>G, p.Ser803Ala (NM_001005360.3, NM_001190716.2); c.2395T>G, p.Ser799Ala (NM_001005362.3, NM_004945.4); short protein forms S799A, S803A.
Identifiers: ClinVar variation 1790821 (VCV001790821.2), dbSNP rs2513377245, ClinGen allele CA404043921.

ClinVar aggregate classification (germline): Uncertain significance (1 of 4 stars; one submission).

Conditions:
Inborn genetic diseases. Identifiers: MedGen C0950123, MeSH D030342.

Allele frequency attached by ClinVar (database versions not stated): gnomAD exomes below 0.00001.
gnomAD v4.1: 2 of 1,613,770 alleles (0.00012%); highest among the groups gnomAD compares: Non-Finnish European, 0.00017%; no homozygotes.

Submission:

Ambry Genetics
Classification: Uncertain significance for Inborn genetic diseases. Last evaluated: 2020-02-03. Review status: criteria provided, single submitter. Criteria: Ambry Variant Classification Scheme 2023. Collection method: clinical testing. Allele origin: germline.
Comment: The p.S803A variant (also known as c.2407T>G), located in coding exon 20 of the DNM2 gene, results from a T to G substitution at nucleotide position 2407. The serine at codon 803 is replaced by alanine, an amino acid with similar properties. This amino acid position is not well conserved in available vertebrate species. In addition, this alteration is predicted to be tolerated by in silico analysis. Since supporting evidence is limited at this time, the clinical significance of this alteration remains unclear.